The following is an entry in ClinVar:

ClinVar aggregate classification (germline): Uncertain significance. Review status: criteria provided, single submitter (1 of 4 stars). 2 submissions from 2 submitters: Uncertain significance (1). 1 of the submissions does not count toward it. Last evaluated 2024-08-08.

Conditions:
Medium-chain acyl-coenzyme A dehydrogenase deficiency (ACADMD). Also called: MCADD; Medium chain acyl-CoA dehydrogenase deficiency; MCAD Deficiency; ACADM DEFICIENCY; MCADH DEFICIENCY; CARNITINE DEFICIENCY SECONDARY TO MEDIUM-CHAIN ACYL-CoA DEHYDROGENASE DEFICIENCY. Identifiers: Orphanet 42, MedGen C0220710, MONDO:0008721, OMIM 201450.

Allele frequency attached by ClinVar (database versions not stated): gnomAD exomes below 0.00001; TOPMed below 0.00001; ExAC 0.00001; gnomAD 0.00001; ESP Exome Variant Server 0.00008.
gnomAD v4.1: 7 of 1,613,604 alleles (0.00043%); highest among the groups gnomAD compares: Non-Finnish European, 0.00042%; no homozygotes.

Submissions (2):

Labcorp Genetics (formerly Invitae), Labcorp
Classification: Uncertain significance for Medium-chain acyl-coenzyme A dehydrogenase deficiency. Last evaluated: 2024-08-08. Review status: criteria provided, single submitter. Criteria: Invitae Variant Classification Sherloc (09022015). Collection method: clinical testing. Allele origin: germline.
Comment: This sequence change falls in intron 11 of the ACADM gene. It does not directly change the encoded amino acid sequence of the ACADM protein. It affects a nucleotide within the consensus splice site. This variant is present in population databases (rs369945009, gnomAD no frequency). This variant has not been reported in the literature in individuals affected with ACADM-related conditions. ClinVar contains an entry for this variant (Variation ID: 647162). Variants that disrupt the consensus splice site are a relatively common cause of aberrant splicing (PMID: 17576681, 9536098). Algorithms developed to predict the effect of sequence changes on RNA splicing suggest that this variant is not likely to affect RNA splicing. In summary, the available evidence is currently insufficient to determine the role of this variant in disease. Therefore, it has been classified as a Variant of Uncertain Significance.

Natera, Inc.
Classification: Uncertain significance for Medium-chain acyl-coenzyme a dehydrogenase deficiency. Last evaluated: 2020-09-16. Review status: no assertion criteria provided. Collection method: clinical testing. Allele origin: germline. Not counted in ClinVar's aggregate classification.

Literature cited by the submitters: PubMed 17576681 (cited by Labcorp Genetics (formerly Invitae), Labcorp); PubMed 9536098 (cited by Labcorp Genetics (formerly Invitae), Labcorp).

NM_000016.6(ACADM):c.1194+3A>G

Gene: ACADM (acyl-CoA dehydrogenase medium chain; plus strand). Cytogenetic location: 1p31.1.
Variant type: single nucleotide variant.
Coding change: c.1194+3A>G on transcript NM_000016.6 (MANE Select); 3 bases into the intron after coding-DNA position 1194, A replaced by G.
Molecular consequence: intron variant.
Genome position (GRCh38, 1-based): chr1:75,761,373, A>G. VCF-style: chr1-75761373-A-G. GRCh37 (hg19) VCF-style: chr1-76227058-A-G.
Other names: c.1206+3A>G (NM_001127328.3); c.1293+3A>G (NM_001286043.2); c.1086+3A>G (NM_001286042.2); c.627+3A>G (NM_001286044.2).
Identifiers: ClinVar variation 647162 (VCV000647162.6), dbSNP rs369945009, ClinGen allele CA913289.
Genomic context (GRCh38, chr1:75,761,373, plus strand): 5'-TGGATTTAATACAGAATATCCTGTAGAAAAACTAATGAGGGATGCCAAAATCTATCAGGT[A>G]AGGTTAAAGATGATTTTTTTGGTTTGCAAGGAGAGAGAATATTCATAAATGACAACGTGG-3'